The following is an entry in ClinVar:

ClinVar aggregate classification (germline): Pathogenic (1 of 4 stars; one submission).

Conditions:
Inborn genetic diseases. Identifiers: MedGen C0950123, MeSH D030342.

Submission:

Ambry Genetics
Classification: Pathogenic for Inborn genetic diseases. Last evaluated: 2021-10-17. Review status: criteria provided, single submitter. Criteria: Ambry Variant Classification Scheme 2023. Collection method: clinical testing. Allele origin: germline.
Comment: The c.1326T>A (p.C442*) alteration, located in exon 10 (coding exon 10) of the GLDC gene, consists of a T to A substitution at nucleotide position 1326. This changes the amino acid from a cysteine (C) to a stop codon at amino acid position 442. This alteration is expected to result in loss of function by premature protein truncation or nonsense-mediated mRNA decay. This variant was not reported in population-based cohorts in the Genome Aggregation Database (gnomAD). Based on the available evidence, this alteration is classified as pathogenic.

NM_000170.3(GLDC):c.1326T>A (p.Cys442Ter)

Gene: GLDC (glycine decarboxylase; minus strand). Cytogenetic location: 9p24.1.
Variant type: single nucleotide variant.
Coding change: c.1326T>A on transcript NM_000170.3 (MANE Select); coding-DNA position 1326, T replaced by A.
Protein change: p.Cys442Ter; replaces cysteine 442 with a stop codon.
Molecular consequence: nonsense.
Genome position (GRCh38, 1-based): chr9:6,592,926, A>T on the plus strand (T>A on the coding strand, the complement: GLDC is on the minus strand). VCF-style: chr9-6592926-A-T. GRCh37 (hg19) VCF-style: chr9-6592926-A-T.
Other names: short protein forms C442*.
Identifiers: ClinVar variation 2249663 (VCV002249663.2), dbSNP rs775211390, ClinGen allele CA372894045.